The following is an entry in ClinVar:

ClinVar aggregate classification (germline): Uncertain significance. Review status: criteria provided, multiple submitters, no conflicts (2 of 4 stars). 2 submissions from 2 submitters: Uncertain significance (2). Last evaluated 2026-02-03.

Conditions:
Hereditary cancer-predisposing syndrome. Also called: Neoplastic Syndromes, Hereditary; Hereditary neoplastic syndrome; Tumor predisposition; Hereditary Cancer Syndrome. Identifiers: Orphanet 140162, MedGen C0027672, MeSH D009386, MONDO:0015356.

Submissions (2):

Ambry Genetics
Classification: Uncertain significance for Hereditary cancer-predisposing syndrome. Last evaluated: 2026-02-03. Review status: criteria provided, single submitter. Criteria: Ambry Variant Classification Scheme 2023. Collection method: clinical testing. Allele origin: germline.
Comment: The p.V212G variant (also known as c.635T>G), located in coding exon 4 of the NTHL1 gene, results from a T to G substitution at nucleotide position 635. The valine at codon 212 is replaced by glycine, an amino acid with dissimilar properties. This amino acid position is well conserved in available vertebrate species. In addition, the in silico prediction for this alteration is inconclusive. Based on the available evidence, the clinical significance of this variant remains unclear.

Labcorp Genetics (formerly Invitae), Labcorp
Classification: Uncertain significance. Last evaluated: 2018-11-08. Review status: criteria provided, single submitter. Criteria: Invitae Variant Classification Sherloc (09022015). Collection method: clinical testing. Allele origin: germline.
Comment: This sequence change replaces valine with glycine at codon 212 of the NTHL1 protein (p.Val212Gly). The valine residue is moderately conserved and there is a moderate physicochemical difference between valine and glycine. This variant is not present in population databases (ExAC no frequency). This variant has not been reported in the literature in individuals with NTHL1-related disease. Algorithms developed to predict the effect of missense changes on protein structure and function are either unavailable or do not agree on the potential impact of this missense change (SIFT: "Deleterious"; PolyPhen-2: "Benign"; Align-GVGD: "Class C0"). In summary, the available evidence is currently insufficient to determine the role of this variant in disease. Therefore, it has been classified as a Variant of Uncertain Significance.

NM_002528.7(NTHL1):c.611T>G (p.Val204Gly)

Gene: NTHL1 (nth like DNA glycosylase 1; minus strand). Cytogenetic location: 16p13.3.
Variant type: single nucleotide variant.
Coding change: c.611T>G on transcript NM_002528.7 (MANE Select); coding-DNA position 611, T replaced by G.
Protein change: p.Val204Gly; replaces valine 204 with glycine.
Molecular consequence: missense variant.
Genome position (GRCh38, 1-based): chr16:2,043,641, A>C on the plus strand (T>G on the coding strand, the complement: NTHL1 is on the minus strand). VCF-style: chr16-2043641-A-C. GRCh37 (hg19) VCF-style: chr16-2093642-A-C.
Other names: c.611T>G, p.Val204Gly (LRG_1366t1); c.440T>G, p.Val147Gly (NM_001318193.2); c.281T>G, p.Val94Gly (NM_001318194.2); c.635T>G (NM_002528.5); short protein forms V94G, V147G, V204G.
Identifiers: ClinVar variation 648164 (VCV000648164.2), dbSNP rs1596219358, ClinGen allele CA394291485.